The following is an entry in ClinVar:

ClinVar aggregate classification (germline): Uncertain significance (1 of 4 stars; one submission).

Conditions:
Primary ciliary dyskinesia. Also called: Ciliary dyskinesia. Identifiers: Orphanet 244, MedGen C0008780, MONDO:0016575, HP:0012265.

Submission:

Labcorp Genetics (formerly Invitae), Labcorp
Classification: Uncertain significance for Primary ciliary dyskinesia. Last evaluated: 2016-12-19. Review status: criteria provided, single submitter. Criteria: Invitae Variant Classification Sherloc (09022015). Collection method: clinical testing. Allele origin: germline.
Comment: In summary, this variant is a novel missense change with uncertain impact on protein function. It has been classified as a Variant of Uncertain Significance. Algorithms developed to predict the effect of missense changes on protein structure and function do not agree on the potential impact of this missense change (SIFT: "Deleterious"; PolyPhen-2: "Probably damaging"; Align-GVGD: "Class C0"). This variant is not present in population databases (ExAC no frequency) and has not been reported in the literature in individuals with a DNAH8-related disease. This sequence change replaces aspartic acid with glycine at codon 1616 of the DNAH8 protein (p.Asp1616Gly). The aspartic acid residue is moderately conserved and there is a moderate physicochemical difference between aspartic acid and glycine.

NM_001206927.2(DNAH8):c.4847A>G (p.Asp1616Gly)

Gene: DNAH8 (dynein axonemal heavy chain 8; plus strand). Cytogenetic location: 6p21.2.
Variant type: single nucleotide variant.
Coding change: c.4847A>G on transcript NM_001206927.2 (MANE Select); coding-DNA position 4847, A replaced by G.
Protein change: p.Asp1616Gly; replaces aspartic acid 1616 with glycine.
Molecular consequence: missense variant.
Genome position (GRCh38, 1-based): chr6:38,845,575, A>G. VCF-style: chr6-38845575-A-G. GRCh37 (hg19) VCF-style: chr6-38813351-A-G.
Other names: c.4196A>G, p.Asp1399Gly (NM_001371.4); short protein forms D1616G, D1399G.
Identifiers: ClinVar variation 407272 (VCV000407272.9), dbSNP rs943252271, ClinGen allele CA16612043.
Genomic context (GRCh38, chr6:38,845,575, plus strand): 5'-TGATGCACTTAATTTGTAGTTGAAAACATCATGACATATACTTTGCTTTTCCTTCAAAGG[A>G]TATTTGCATATCTGCCATTAAGGAGAAGGATATCGAAGCCAAGCTGACTCAGGTGATTGA-3'
Protein context (NP_001193856.1, residues 1606-1626): PLLKHKDDIE[Asp1616Gly]ICISAIKEKD